The following is an entry in ClinVar:

ClinVar aggregate classification (germline): Likely benign. Review status: criteria provided, single submitter (1 of 4 stars). 2 submissions from 2 submitters: Likely benign (1). 1 of the submissions does not count toward it. Last evaluated 2025-04-08.

Conditions:
IFT172-related disorder. Also called: IFT172-related condition; IFT172-related disorders.
Short-rib thoracic dysplasia 10 with or without polydactyly (SRTD10). Identifiers: Orphanet 474, MedGen C3810175, MONDO:0014284, OMIM 615630.
Retinitis pigmentosa 71 (RP71). Identifiers: Orphanet 791, MedGen C4225342, MONDO:0014618, OMIM 616394.

Allele frequency attached by ClinVar (database versions not stated): gnomAD 0.00003; TOPMed 0.00003.
gnomAD v4.1: 9 of 1,613,942 alleles (0.00056%); highest among the groups gnomAD compares: African/African-American, 0.0093%; no homozygotes.

Submissions (2):

Labcorp Genetics (formerly Invitae), Labcorp
Classification: Likely benign for Retinitis pigmentosa 71; Short-rib thoracic dysplasia 10 with or without polydactyly. Last evaluated: 2025-04-08. Review status: criteria provided, single submitter. Criteria: Invitae Variant Classification Sherloc (09022015). Collection method: clinical testing. Allele origin: germline.

PreventionGenetics, part of Exact Sciences
Classification: Likely benign for IFT172-related condition. Last evaluated: 2022-08-26. Review status: no assertion criteria provided. Collection method: clinical testing. Allele origin: germline. Not counted in ClinVar's aggregate classification.
Comment: This variant is classified as likely benign based on ACMG/AMP sequence variant interpretation guidelines (Richards et al. 2015 PMID: 25741868, with internal and published modifications).

NM_015662.3(IFT172):c.177C>T (p.Asp59=)

Gene: IFT172 (intraflagellar transport 172; minus strand). Cytogenetic location: 2p23.3.
Variant type: single nucleotide variant.
Coding change: c.177C>T on transcript NM_015662.3 (MANE Select); coding-DNA position 177, C replaced by T.
Protein change: p.Asp59=; no amino-acid change (aspartic acid 59 retained).
Molecular consequence: synonymous variant.
Genome position (GRCh38, 1-based): chr2:27,485,366, G>A on the plus strand (C>T on the coding strand, the complement: IFT172 is on the minus strand). VCF-style: chr2-27485366-G-A. GRCh37 (hg19) VCF-style: chr2-27708233-G-A.
Other names: c.177C>T, p.Asp59= (NM_001410739.1); c.177C>T (NM_015662.2).
Identifiers: ClinVar variation 1919432 (VCV001919432.7), dbSNP rs950375924, ClinGen allele CA44520044.